The following is an entry in ClinVar:

NM_005391.5(PDK3):c.740A>C (p.Glu247Ala)

Gene: PDK3 (pyruvate dehydrogenase kinase 3; plus strand). Cytogenetic location: Xp22.11.
Variant type: single nucleotide variant.
Coding change: c.740A>C on transcript NM_005391.5 (MANE Select); coding-DNA position 740, A replaced by C.
Protein change: p.Glu247Ala; replaces glutamic acid 247 with alanine.
Molecular consequence: missense variant.
Genome position (GRCh38, 1-based): chrX:24,526,264, A>C. VCF-style: chrX-24526264-A-C. GRCh37 (hg19) VCF-style: chrX-24544381-A-C.
Other names: c.740A>C, p.Glu247Ala (NM_001142386.3); short protein forms E247A.
Identifiers: ClinVar variation 2662601 (VCV002662601.2), dbSNP rs2518590215, ClinGen allele CA412602550.

ClinVar aggregate classification (germline): Uncertain significance (1 of 4 stars; one submission).

Submission:

GeneDx
Classification: Uncertain significance. Last evaluated: 2025-04-08. Review status: criteria provided, single submitter. Criteria: GeneDx Variant Classification Process June 2021. Collection method: clinical testing. Allele origin: germline.
Comment: Not observed at significant frequency in large population cohorts (gnomAD); In silico analysis supports that this missense variant has a deleterious effect on protein structure/function; Has not been previously published as pathogenic or benign to our knowledge